The following is an entry in ClinVar:

ClinVar aggregate classification (germline): Likely benign (1 of 4 stars; one submission).

gnomAD v4.1: 9 of 1,613,856 alleles (0.00056%); highest among the groups gnomAD compares: East Asian, 0.0045%; no homozygotes.

Submission:

CeGaT Center for Human Genetics Tuebingen
Classification: Likely benign. Last evaluated: 2025-04-01. Review status: criteria provided, single submitter. Criteria: CeGaT Center For Human Genetics Tuebingen Variant Classification Criteria Version 2. Collection method: clinical testing. Allele origin: germline. Affected: yes. Observed: 1 variant allele.
Comment: MUC4: BP4, BP7

NM_018406.7(MUC4):c.14568T>C (p.Ile4856=)

Gene: MUC4 (mucin 4, cell surface associated). Cytogenetic location: 3q29.
Variant type: single nucleotide variant.
Coding change: c.14568T>C on transcript NM_018406.7 (MANE Select); coding-DNA position 14568, T replaced by C.
Protein change: p.Ile4856=; no amino-acid change (isoleucine 4856 retained).
Molecular consequence: synonymous variant.
Genome position (GRCh38, 1-based): chr3:195,761,530, A>G on the plus strand (T>C on the coding strand, the complement: MUC4 is on the minus strand). VCF-style: chr3-195761530-A-G. GRCh37 (hg19) VCF-style: chr3-195488401-A-G.
Other names: c.1860T>C, p.Ile620= (NM_004532.6); c.1707T>C, p.Ile569= (NM_138297.5).
Identifiers: ClinVar variation 3898713 (VCV003898713.7).